The following is an entry in ClinVar:

NM_176824.3(BBS7):c.886T>C (p.Cys296Arg)

Gene: BBS7 (Bardet-Biedl syndrome 7; minus strand). Cytogenetic location: 4q27.
Variant type: single nucleotide variant.
Coding change: c.886T>C on transcript NM_176824.3 (MANE Select); coding-DNA position 886, T replaced by C.
Protein change: p.Cys296Arg; replaces cysteine 296 with arginine.
Molecular consequence: missense variant.
Genome position (GRCh38, 1-based): chr4:121,848,892, A>G on the plus strand (T>C on the coding strand, the complement: BBS7 is on the minus strand). VCF-style: chr4-121848892-A-G. GRCh37 (hg19) VCF-style: chr4-122770047-A-G.
Other names: c.886T>C, p.Cys296Arg (NM_018190.4); short protein forms C296R.
Identifiers: ClinVar variation 1480497 (VCV001480497.6), dbSNP rs2149072518, ClinGen allele CA358063454.

ClinVar aggregate classification (germline): Uncertain significance (1 of 4 stars; one submission).

Conditions:
Bardet-Biedl syndrome (BBS). Identifiers: Orphanet 110, MedGen C0752166, MONDO:0015229.

Submission:

Labcorp Genetics (formerly Invitae), Labcorp
Classification: Uncertain significance for Bardet-Biedl syndrome. Last evaluated: 2021-10-10. Review status: criteria provided, single submitter. Criteria: Invitae Variant Classification Sherloc (09022015). Collection method: clinical testing. Allele origin: germline.
Comment: In summary, the available evidence is currently insufficient to determine the role of this variant in disease. Therefore, it has been classified as a Variant of Uncertain Significance. Algorithms developed to predict the effect of missense changes on protein structure and function (SIFT, PolyPhen-2, Align-GVGD) all suggest that this variant is likely to be tolerated. This variant has not been reported in the literature in individuals affected with BBS7-related conditions. This variant is not present in population databases (ExAC no frequency). This sequence change replaces cysteine with arginine at codon 296 of the BBS7 protein (p.Cys296Arg). The cysteine residue is highly conserved and there is a large physicochemical difference between cysteine and arginine.